The following is an entry in ClinVar:

NM_000260.4(MYO7A):c.4254del (p.Asp1419fs)

Gene: MYO7A (myosin VIIA; plus strand). Cytogenetic location: 11q13.5.
Variant type: Deletion.
Coding change: c.4254del on transcript NM_000260.4 (MANE Select); coding-DNA position 4254, one base deleted (C; older notation c.4254delC).
Protein change: p.Asp1419fs; shifts the reading frame from aspartic acid 1419.
Molecular consequence: frameshift variant.
Genome position (GRCh38, 1-based): chr11:77,194,455, C deleted; the last of 4 consecutive C bases (chr11:77,194,452-77,194,455); deleting any one gives the same sequence. VCF-style (leftmost placement, unchanged base first): chr11-77194451-TC-T. GRCh37 (hg19) VCF-style: chr11-76905496-TC-T.
Other names: c.4254del (NM_000260.3); c.4254del, p.Asp1419fs (NM_001127180.2); c.4221del, p.Asp1408fs (NM_001369365.1); short protein forms D1419fs, D1408fs.
Identifiers: ClinVar variation 552398 (VCV000552398.11), dbSNP rs1555096070, ClinGen allele CA658822314.

ClinVar aggregate classification (germline): Pathogenic. Review status: criteria provided, single submitter (1 of 4 stars). 2 submissions from 2 submitters: Pathogenic (1). 1 of the submissions does not count toward it. Last evaluated 2024-10-14.

Conditions:
Autosomal recessive nonsyndromic hearing loss 2. Also called: DEAFNESS, AUTOSOMAL RECESSIVE 2; NEUROSENSORY NONSYNDROMIC RECESSIVE DEAFNESS 2. Identifiers: Orphanet 90636, MedGen C1838701, MONDO:0010807, OMIM 600060.
Usher syndrome type 1 (USH1). Also called: RETINITIS PIGMENTOSA AND CONGENITAL DEAFNESS. Identifiers: Orphanet 231169, Orphanet 886, MedGen C1568247, MONDO:0010168, OMIM 276900.

Submissions (2):

Labcorp Genetics (formerly Invitae), Labcorp
Classification: Pathogenic. Last evaluated: 2024-10-14. Review status: criteria provided, single submitter. Criteria: Invitae Variant Classification Sherloc (09022015). Collection method: clinical testing. Allele origin: germline.
Comment: This sequence change creates a premature translational stop signal (p.Asp1419Thrfs*7) in the MYO7A gene. It is expected to result in an absent or disrupted protein product. Loss-of-function variants in MYO7A are known to be pathogenic (PMID: 8900236, 25404053). This variant is not present in population databases (gnomAD no frequency). This premature translational stop signal has been observed in individuals with Usher syndrome (PMID: 26338283). This variant is also known as c.4251delC (p.I1417fs). ClinVar contains an entry for this variant (Variation ID: 552398). For these reasons, this variant has been classified as Pathogenic.

Counsyl
Classification: Likely pathogenic for Usher syndrome type 1; Autosomal recessive nonsyndromic hearing loss 2. Last evaluated: 2017-06-19. Review status: no assertion criteria provided. Collection method: clinical testing. Allele origin: unknown. Not counted in ClinVar's aggregate classification.

Literature cited by the submitters: PubMed 8900236 (cited by Labcorp Genetics (formerly Invitae), Labcorp); PubMed 25404053 (cited by Labcorp Genetics (formerly Invitae), Labcorp); PubMed 26338283 (cited by Labcorp Genetics (formerly Invitae), Labcorp and Counsyl).